The following is an entry in ClinVar:

NM_013275.6(ANKRD11):c.868A>T (p.Thr290Ser)

Gene: ANKRD11 (ankyrin repeat domain 11; minus strand). Cytogenetic location: 16q24.3.
Variant type: single nucleotide variant.
Coding change: c.868A>T on transcript NM_013275.6 (MANE Select); coding-DNA position 868, A replaced by T.
Protein change: p.Thr290Ser; replaces threonine 290 with serine.
Molecular consequence: missense variant.
Genome position (GRCh38, 1-based): chr16:89,286,063, T>A on the plus strand (A>T on the coding strand, the complement: ANKRD11 is on the minus strand). VCF-style: chr16-89286063-T-A. GRCh37 (hg19) VCF-style: chr16-89352471-T-A.
Other names: c.868A>T, p.Thr290Ser (NM_001256182.2, NM_001256183.2); short protein forms T290S.
Identifiers: ClinVar variation 2079592 (VCV002079592.4), dbSNP rs776494318, ClinGen allele CA397166289.
Genomic context (GRCh38, chr16:89,286,063, plus strand): 5'-ATAAAAGAACAGGCAGCTCAGGTGGCCGTGACTTACCCGTCGAGCTCTCCTCGCTGGAAG[T>A]GTAAGTGCCTTTGCCTAACAGGAGGTTCACCATCGTGGGGGAGTTGGCCACTTTCAGCGG-3'
Protein context (NP_037407.4, residues 280-300): VNLLLGKGTY[Thr290Ser]SSEESSTESS

ClinVar aggregate classification (germline): Uncertain significance (1 of 4 stars; one submission).

Conditions:
KBG syndrome (KBGS). Also called: ANKRD11-Related KBG Syndrome. Identifiers: Orphanet 2332, MedGen C0220687, MONDO:0007846, OMIM 148050.

gnomAD v4.1: 1 of 1,614,216 alleles (0.000062%); highest among the groups gnomAD compares: Non-Finnish European, 0.000085%; no homozygotes.

Submission:

Labcorp Genetics (formerly Invitae), Labcorp
Classification: Uncertain significance for KBG syndrome. Last evaluated: 2022-12-07. Review status: criteria provided, single submitter. Criteria: Invitae Variant Classification Sherloc (09022015). Collection method: clinical testing. Allele origin: germline.
Comment: Advanced modeling of protein sequence and biophysical properties (such as structural, functional, and spatial information, amino acid conservation, physicochemical variation, residue mobility, and thermodynamic stability) performed at Invitae indicates that this missense variant is not expected to disrupt ANKRD11 protein function. This sequence change replaces threonine, which is neutral and polar, with serine, which is neutral and polar, at codon 290 of the ANKRD11 protein (p.Thr290Ser). This variant is not present in population databases (gnomAD no frequency). This variant has not been reported in the literature in individuals affected with ANKRD11-related conditions. In summary, the available evidence is currently insufficient to determine the role of this variant in disease. Therefore, it has been classified as a Variant of Uncertain Significance.